The following is an entry in ClinVar:

ClinVar aggregate classification (germline): Uncertain significance (1 of 4 stars; one submission).

Conditions:
Sulfite oxidase deficiency due to molybdenum cofactor deficiency type C. Also called: Molybdenum cofactor deficiency, complementation group C; Molybdenum cofactor deficiency C. Identifiers: Orphanet 308400, Orphanet 833, MedGen C1854990, MONDO:0014212, OMIM 615501.

Submission:

Labcorp Genetics (formerly Invitae), Labcorp
Classification: Uncertain significance for Sulfite oxidase deficiency due to molybdenum cofactor deficiency type C. Last evaluated: 2025-06-09. Review status: criteria provided, single submitter. Criteria: Invitae Variant Classification Sherloc (09022015). Collection method: clinical testing. Allele origin: germline.
Comment: This sequence change replaces glutamic acid, which is acidic and polar, with glutamine, which is neutral and polar, at codon 65 of the GPHN protein (p.Glu65Gln). This variant is not present in population databases (gnomAD no frequency). This variant has not been reported in the literature in individuals affected with GPHN-related conditions. Invitae Evidence Modeling of protein sequence and biophysical properties (such as structural, functional, and spatial information, amino acid conservation, physicochemical variation, residue mobility, and thermodynamic stability) indicates that this missense variant is not expected to disrupt GPHN protein function with a negative predictive value of 80%. In summary, the available evidence is currently insufficient to determine the role of this variant in disease. Therefore, it has been classified as a Variant of Uncertain Significance.

NM_020806.5(GPHN):c.193G>C (p.Glu65Gln)

Gene: GPHN (gephyrin; plus strand). Cytogenetic location: 14q23.3.
Variant type: single nucleotide variant.
Coding change: c.193G>C on transcript NM_020806.5 (MANE Select); coding-DNA position 193, G replaced by C.
Protein change: p.Glu65Gln; replaces glutamic acid 65 with glutamine.
Molecular consequence: missense variant.
Genome position (GRCh38, 1-based): chr14:66,776,513, G>C. VCF-style: chr14-66776513-G-C. GRCh37 (hg19) VCF-style: chr14-67243231-G-C.
Other names: c.193G>C, p.Glu65Gln (NM_001024218.2, NM_001377514.1, NM_001377515.1 and 4 more transcripts); short protein forms E65Q.
Identifiers: ClinVar variation 4742696 (VCV004742696.1).